The following is an entry in ClinVar:

NM_020911.2(PLXNA4):c.3137A>G (p.Glu1046Gly)

Gene: PLXNA4 (plexin A4; minus strand). Cytogenetic location: 7q32.3.
Variant type: single nucleotide variant.
Coding change: c.3137A>G on transcript NM_020911.2 (MANE Select); coding-DNA position 3137, A replaced by G.
Protein change: p.Glu1046Gly; replaces glutamic acid 1046 with glycine.
Molecular consequence: missense variant.
Genome position (GRCh38, 1-based): chr7:132,185,320, T>C on the plus strand (A>G on the coding strand, the complement: PLXNA4 is on the minus strand). VCF-style: chr7-132185320-T-C. GRCh37 (hg19) VCF-style: chr7-131870079-T-C.
Other names: c.3137A>G, p.Glu1046Gly (NM_001393897.1); short protein forms E1046G.
Identifiers: ClinVar variation 3348537 (VCV003348537.1).
Genomic context (GRCh38, chr7:132,185,320, plus strand): 5'-GGTGCAGAAGCATTAAGGTCCGCTTGGGCCAGCTCCTACCTGACAATGCTCCATTCTGGC[T>C]CAATCCGCACGATGGTGGGGTCTTCCACATACTGAAAGACCAGGTCCTGGTGGATCTTGG-3'
Protein context (NP_065962.1, residues 1036-1056): YVEDPTIVRI[Glu1046Gly]PEWSIVSGNT

ClinVar aggregate classification (germline): Uncertain significance (0 of 4 stars; one submission).

Conditions:
PLXNA4-related disorder. Also called: PLXNA4-related condition.

gnomAD v4.1: 1 of 1,613,624 alleles (0.000062%); highest among the groups gnomAD compares: Non-Finnish European, 0.000085%; no homozygotes.

Submission:

PreventionGenetics, part of Exact Sciences
Classification: Uncertain significance for PLXNA4-related condition. Last evaluated: 2023-10-26. Review status: no assertion criteria provided. Collection method: clinical testing. Allele origin: germline.
Comment: The PLXNA4 c.3137A>G variant is predicted to result in the amino acid substitution p.Glu1046Gly. To our knowledge, this variant has not been reported in the literature or in a large population database, indicating this variant is rare. At this time, the clinical significance of this variant is uncertain due to the absence of conclusive functional and genetic evidence.